The following is an entry in ClinVar:

NM_033026.6(PCLO):c.12837G>A (p.Ala4279=)

Gene: PCLO (piccolo presynaptic cytomatrix protein; minus strand). Cytogenetic location: 7q21.11.
Variant type: single nucleotide variant.
Coding change: c.12837G>A on transcript NM_033026.6 (MANE Select); coding-DNA position 12837, G replaced by A.
Protein change: p.Ala4279=; no amino-acid change (alanine 4279 retained).
Molecular consequence: synonymous variant.
Genome position (GRCh38, 1-based): chr7:82,915,149, C>T on the plus strand (G>A on the coding strand, the complement: PCLO is on the minus strand). VCF-style: chr7-82915149-C-T. GRCh37 (hg19) VCF-style: chr7-82544465-C-T.
Other names: c.12837G>A, p.Ala4279= (NM_014510.3).
Identifiers: ClinVar variation 1603627 (VCV001603627.32), dbSNP rs368754412, ClinGen allele CA4319297.
Genomic context (GRCh38, chr7:82,915,149, plus strand): 5'-ATAGACAGAGGAAGGTCTGGAGGAAGGTCTGGACCTGCTGCCACTACTGTATGGCTTATC[C>T]GCTTCATCCTGCAGAGCTGAGCGTATGGTATTTCCTAATGTGCCCAGTCCTGTGCCAAGA-3'
Protein context (NP_149015.2, residues 4269-4289): NTIRSALQDE[Ala4279=]DKPYSSGSRS

ClinVar aggregate classification (germline): Likely benign. Review status: criteria provided, multiple submitters, no conflicts (2 of 4 stars). 2 submissions from 2 submitters: Likely benign (2). Last evaluated 2025-09-16.

Allele frequency attached by ClinVar (database versions not stated): TOPMed 0.00001; gnomAD 0.00003; gnomAD exomes 0.00006 and 0.00008; 1000 Genomes Project 30x 0.00016; ExAC 0.00016.
gnomAD v4.1: 86 of 1,592,498 alleles (0.0054%); highest among the groups gnomAD compares: South Asian, 0.042%; 1 homozygote.

Submissions (2):

Labcorp Genetics (formerly Invitae), Labcorp
Classification: Likely benign. Last evaluated: 2025-09-16. Review status: criteria provided, single submitter. Criteria: Invitae Variant Classification Sherloc (09022015). Collection method: clinical testing. Allele origin: germline.

CeGaT Center for Human Genetics Tuebingen
Classification: Likely benign. Last evaluated: 2022-07-01. Review status: criteria provided, single submitter. Criteria: CeGaT Center For Human Genetics Tuebingen Variant Classification Criteria Version 2. Collection method: clinical testing. Allele origin: germline. Affected: yes. Observed: 1 variant allele.
Comment: PCLO: BP4, BP7